The following is an entry in ClinVar:

NM_001354930.2(RIPK1):c.1021G>A (p.Gly341Ser)

Gene: RIPK1 (receptor interacting serine/threonine kinase 1; plus strand). Cytogenetic location: 6p25.2.
Variant type: single nucleotide variant.
Coding change: c.1021G>A on transcript NM_001354930.2 (MANE Select); coding-DNA position 1021, G replaced by A.
Protein change: p.Gly341Ser; replaces glycine 341 with serine.
Molecular consequence: missense variant.
Genome position (GRCh38, 1-based): chr6:3,105,496, G>A. VCF-style: chr6-3105496-G-A. GRCh37 (hg19) VCF-style: chr6-3105730-G-A.
Other names: c.532G>A, p.Gly178Ser (NM_001317061.3, NM_001354932.2, NM_001354933.2 and 1 more transcripts); c.883G>A, p.Gly295Ser (NM_001354931.2); c.1021G>A, p.Gly341Ser (NM_003804.6); c.1021G>A (NM_003804.3); short protein forms G178S, G341S, G295S.
Identifiers: ClinVar variation 2178262 (VCV002178262.5), dbSNP rs200610530, ClinGen allele CA3618364.
Genomic context (GRCh38, chr6:3,105,496, plus strand): 5'-TTAATGTTTCATGACACCCATTCTAATGTTGATCATTTCTTCTCAGCCACAGAACAGCCT[G>A]GTTCACTGCACAGTTCCCAGGGACTTGGGATGGGTCCTGTGGAGGAGTCCTGGTTTGCTC-3'
Protein context (NP_001341859.1, residues 331-351): SRSNSATEQP[Gly341Ser]SLHSSQGLGM

ClinVar aggregate classification (germline): Conflicting classifications of pathogenicity. Review status: criteria provided, conflicting classifications (1 of 4 stars). 2 submissions from 2 submitters: Uncertain significance (1); Likely benign (1). Last evaluated 2024-06-17.

Conditions:
Inborn genetic diseases. Identifiers: MedGen C0950123, MeSH D030342.

Allele frequency attached by ClinVar (database versions not stated): gnomAD 0.00001; TOPMed 0.00002; ExAC 0.00004; 1000 Genomes Project 30x 0.00016; 1000 Genomes Project 0.00020.
gnomAD v4.1: 15 of 1,549,788 alleles (0.00097%); highest among the groups gnomAD compares: East Asian, 0.031%; no homozygotes.

Submissions (2):

Labcorp Genetics (formerly Invitae), Labcorp
Classification: Uncertain significance. Last evaluated: 2024-06-17. Review status: criteria provided, single submitter. Criteria: Invitae Variant Classification Sherloc (09022015). Collection method: clinical testing. Allele origin: germline.
Comment: This sequence change replaces glycine, which is neutral and non-polar, with serine, which is neutral and polar, at codon 341 of the RIPK1 protein (p.Gly341Ser). This variant is present in population databases (rs200610530, gnomAD 0.07%). This variant has not been reported in the literature in individuals affected with RIPK1-related conditions. ClinVar contains an entry for this variant (Variation ID: 2178262). Algorithms developed to predict the effect of missense changes on protein structure and function output the following: SIFT: "Not Available"; PolyPhen-2: "Benign"; Align-GVGD: "Not Available". The serine amino acid residue is found in multiple mammalian species, which suggests that this missense change does not adversely affect protein function. In summary, the available evidence is currently insufficient to determine the role of this variant in disease. Therefore, it has been classified as a Variant of Uncertain Significance.

Ambry Genetics
Classification: Likely benign for Inborn genetic diseases. Last evaluated: 2023-11-07. Review status: criteria provided, single submitter. Criteria: Ambry Variant Classification Scheme 2023. Collection method: clinical testing. Allele origin: germline.